The following is an entry in ClinVar:

ClinVar aggregate classification (germline): Conflicting classifications of pathogenicity. Review status: criteria provided, conflicting classifications (1 of 4 stars). 3 submissions from 3 submitters: Uncertain significance (2); Likely benign (1). Last evaluated 2024-05-07.

Conditions:
Hereditary cancer-predisposing syndrome. Also called: Neoplastic Syndromes, Hereditary; Tumor predisposition; Hereditary Cancer Syndrome; Hereditary neoplastic syndrome. Identifiers: Orphanet 140162, MedGen C0027672, MeSH D009386, MONDO:0015356.
Hereditary breast ovarian cancer syndrome. Also called: Breast and ovarian cancer; Hereditary breast and ovarian cancer; Hereditary breast and/or ovarian cancer syndrome; BRCA1- and BRCA2-Associated Hereditary Breast and Ovarian Cancer; Hereditary breast and ovarian cancer syndrome; Hereditary breast and ovarian cancer syndrome (HBOC). Identifiers: Orphanet 145, MedGen C0677776, MeSH D061325, MONDO:0003582. Disease mechanism: loss of function.

Allele frequency attached by ClinVar (database versions not stated): gnomAD exomes below 0.00001 and 0.00001; ExAC 0.00001.
gnomAD v4.1: 4 of 1,614,116 alleles (0.00025%); highest among the groups gnomAD compares: East Asian, 0.0067%; no homozygotes.

Submissions (3):

Labcorp Genetics (formerly Invitae), Labcorp
Classification: Uncertain significance for Hereditary breast ovarian cancer syndrome. Last evaluated: 2024-05-07. Review status: criteria provided, single submitter. Criteria: Invitae Variant Classification Sherloc (09022015). Collection method: clinical testing. Allele origin: germline.
Comment: This sequence change replaces lysine, which is basic and polar, with glutamic acid, which is acidic and polar, at codon 690 of the BRCA1 protein (p.Lys690Glu). This variant is present in population databases (rs587781448, gnomAD 0.01%). This variant has not been reported in the literature in individuals affected with BRCA1-related conditions. ClinVar contains an entry for this variant (Variation ID: 141034). Advanced modeling of protein sequence and biophysical properties (such as structural, functional, and spatial information, amino acid conservation, physicochemical variation, residue mobility, and thermodynamic stability) performed at Invitae indicates that this missense variant is not expected to disrupt BRCA1 protein function with a negative predictive value of 95%. In summary, the available evidence is currently insufficient to determine the role of this variant in disease. Therefore, it has been classified as a Variant of Uncertain Significance.

University of Washington Department of Laboratory Medicine, University of Washington
Classification: Likely benign for Hereditary cancer-predisposing syndrome. Last evaluated: 2023-03-23. Review status: criteria provided, single submitter. Criteria: Dines et al. (Genet Med. 2020). Collection method: curation. Allele origin: germline.
Comment: Missense variant in a coldspot region where missense variants are very unlikely to be pathogenic (PMID:31911673).

BRCA1 coldspot (exon 11 using historical exon numbering). Reclassification based on statistical prior probability

Ambry Genetics
Classification: Uncertain significance for Hereditary cancer-predisposing syndrome. Last evaluated: 2022-02-08. Review status: criteria provided, single submitter. Criteria: Ambry Variant Classification Scheme 2023. Collection method: clinical testing. Allele origin: germline.
Comment: The p.K690E variant (also known as c.2068A>G), located in coding exon 9 of the BRCA1 gene, results from an A to G substitution at nucleotide position 2068. The lysine at codon 690 is replaced by glutamic acid, an amino acid with similar properties. This amino acid position is not well conserved in available vertebrate species. In addition, the in silico prediction for this alteration is inconclusive. Since supporting evidence is limited at this time, the clinical significance of this alteration remains unclear.

NM_007294.4(BRCA1):c.2068A>G (p.Lys690Glu)

Gene: BRCA1 (BRCA1 DNA repair associated; minus strand). Cytogenetic location: 17q21.31.
Variant type: single nucleotide variant.
Coding change: c.2068A>G on transcript NM_007294.4 (MANE Select); coding-DNA position 2068, A replaced by G.
Protein change: p.Lys690Glu; replaces lysine 690 with glutamic acid.
Molecular consequence: missense variant. On other transcripts: intron variant (137).
Genome position (GRCh38, 1-based): chr17:43,093,463, T>C on the plus strand (A>G on the coding strand, the complement: BRCA1 is on the minus strand). VCF-style: chr17-43093463-T-C. GRCh37 (hg19) VCF-style: chr17-41245480-T-C.
Other names: c.1924A>G, p.Lys642Glu (NM_001407839.1, NM_001407841.1, NM_001407842.1 and 20 more transcripts); c.664+1281A>G (NM_001408440.1, NM_001408428.1, NM_001408444.1 and 12 more transcripts); c.670+2383A>G (NM_001408418.1, NM_001408423.1, NM_001408420.1 and 2 more transcripts); c.787+1281A>G (NM_001407981.1, NM_007298.4, NM_001407978.1 and 19 more transcripts); c.643+1281A>G (NM_001408462.1, NM_001408468.1, NM_001408465.1 and 3 more transcripts); c.577+1281A>G (NM_001408514.1, NM_001408492.1, NM_001408513.1 and 9 more transcripts); c.709+1281A>G (NM_001408414.1, NM_001408411.1, NM_001408409.1 and 2 more transcripts); c.1855A>G, p.Lys619Glu (NM_001407571.1, NM_001407853.1, NM_001407894.1 and 9 more transcripts); and 40 more; short protein forms K690E, K643E, K562E, K579E, K602E, K620E, K623E, K648E.
Identifiers: ClinVar variation 141034 (VCV000141034.18), dbSNP rs587781448, ClinGen allele CA001366.